The following is an entry in ClinVar:

ClinVar aggregate classification (germline): Uncertain significance (1 of 4 stars; one submission).

Conditions:
Diffuse cerebral and cerebellar atrophy - intractable seizures - progressive microcephaly syndrome. Also called: Microcephaly, progressive, with seizures and cerebral and cerebellar atrophy. Identifiers: Orphanet 404437, MedGen C4014239, MONDO:0014335, OMIM 615760.

Allele frequency attached by ClinVar (database versions not stated): gnomAD exomes below 0.00001; TOPMed 0.00002.

Submission:

Labcorp Genetics (formerly Invitae), Labcorp
Classification: Uncertain significance for Diffuse cerebral and cerebellar atrophy - intractable seizures - progressive microcephaly syndrome. Last evaluated: 2020-09-20. Review status: criteria provided, single submitter. Criteria: Invitae Variant Classification Sherloc (09022015). Collection method: clinical testing. Allele origin: germline.
Comment: In summary, the available evidence is currently insufficient to determine the role of this variant in disease. Therefore, it has been classified as a Variant of Uncertain Significance. Algorithms developed to predict the effect of missense changes on protein structure and function (SIFT, PolyPhen-2, Align-GVGD) all suggest that this variant is likely to be disruptive, but these predictions have not been confirmed by published functional studies and their clinical significance is uncertain. This variant has not been reported in the literature in individuals with QARS-related conditions. ClinVar contains an entry for this variant (Variation ID: 966446). This variant is not present in population databases (ExAC no frequency). This sequence change replaces arginine with cysteine at codon 629 of the QARS protein (p.Arg629Cys). The arginine residue is highly conserved and there is a large physicochemical difference between arginine and cysteine.

NM_005051.3(QARS1):c.1885C>T (p.Arg629Cys)

Gene: QARS1 (glutaminyl-tRNA synthetase 1; minus strand). Cytogenetic location: 3p21.31.
Variant type: single nucleotide variant.
Coding change: c.1885C>T on transcript NM_005051.3 (MANE Select); coding-DNA position 1885, C replaced by T.
Protein change: p.Arg629Cys; replaces arginine 629 with cysteine.
Molecular consequence: missense variant. On other transcripts: non-coding transcript variant (1).
Genome position (GRCh38, 1-based): chr3:49,098,671, G>A on the plus strand (C>T on the coding strand, the complement: QARS1 is on the minus strand). VCF-style: chr3-49098671-G-A. GRCh37 (hg19) VCF-style: chr3-49136104-G-A.
Other names: c.1852C>T, p.Arg618Cys (NM_001272073.2); short protein forms R629C, R618C.
Identifiers: ClinVar variation 966446 (VCV000966446.6), dbSNP rs979330776, ClinGen allele CA74472521.